The following is an entry in ClinVar:

NM_000489.6(ATRX):c.556A>C (p.Ile186Leu)

Gene: ATRX (ATRX chromatin remodeler; minus strand). Cytogenetic location: Xq21.1.
Variant type: single nucleotide variant.
Coding change: c.556A>C on transcript NM_000489.6 (MANE Select); coding-DNA position 556, A replaced by C.
Protein change: p.Ile186Leu; replaces isoleucine 186 with leucine.
Molecular consequence: missense variant.
Genome position (GRCh38, 1-based): chrX:77,688,856, T>G on the plus strand (A>C on the coding strand, the complement: ATRX is on the minus strand). VCF-style: chrX-77688856-T-G. GRCh37 (hg19) VCF-style: chrX-76944349-T-G.
Other names: c.442A>C, p.Ile148Leu (NM_138270.5); short protein forms I148L, I186L.
Identifiers: ClinVar variation 3373361 (VCV003373361.1).
Genomic context (GRCh38, chrX:77,688,856, plus strand): 5'-ATATCAACAGATCATTACATACCTTACAAATAAGAACTTGCAATGAAGGGTGTCTATAAA[T>G]GGAATCTTTTTGAAAATGATTGACCTGTTGTCCACAAGCAGTGCAGCTCACAATCCCATG-3'
Protein context (NP_000480.3, residues 176-196): QQVNHFQKDS[Ile186Leu]YRHPSLQVLI

ClinVar aggregate classification (germline): Uncertain significance (1 of 4 stars; one submission).

Submission:

GeneDx
Classification: Uncertain significance. Last evaluated: 2024-05-01. Review status: criteria provided, single submitter. Criteria: GeneDx Variant Classification Process June 2021. Collection method: clinical testing. Allele origin: germline. Affected: yes.
Comment: Not observed at significant frequency in large population cohorts (gnomAD); In silico analysis indicates that this missense variant does not alter protein structure/function; Has not been previously published as pathogenic or benign to our knowledge; This variant is associated with the following publications: (PMID: 18409179)